The following is an entry in ClinVar:

ClinVar aggregate classification (germline): Likely benign (1 of 4 stars; one submission).

Allele frequency attached by ClinVar (database versions not stated): gnomAD exomes 0.00001 and 0.00006; gnomAD 0.00002; TOPMed 0.00003; ExAC 0.00004.
gnomAD v4.1: 87 of 1,589,060 alleles (0.0055%); highest among the groups gnomAD compares: Non-Finnish European, 0.0071%; no homozygotes.

Submission:

GeneDx
Classification: Likely benign. Last evaluated: 2015-03-26. Review status: criteria provided, single submitter. Criteria: GeneDx Variant Classification (06012015). Collection method: clinical testing. Allele origin: germline. Affected: yes.
Comment: This variant is considered likely benign or benign based on one or more of the following criteria: it is a conservative change, it occurs at a poorly conserved position in the protein, it is predicted to be benign by multiple in silico algorithms, and/or has population frequency not consistent with disease.

NM_017775.4(TTC19):c.229C>G (p.Gln77Glu)

Genes: TTC19 (tetratricopeptide repeat domain 19; plus strand), LOC130060311 (ATAC-STARR-seq lymphoblastoid silent region 8214; plus strand). Cytogenetic location: 17p12.
Variant type: single nucleotide variant.
Coding change: c.229C>G on transcript NM_017775.4 (MANE Select); coding-DNA position 229, C replaced by G.
Protein change: p.Gln77Glu; replaces glutamine 77 with glutamic acid.
Molecular consequence: missense variant. On other transcripts: 5 prime UTR variant (1).
Genome position (GRCh38, 1-based): chr17:16,000,162, C>G. VCF-style: chr17-16000162-C-G. GRCh37 (hg19) VCF-style: chr17-15903476-C-G.
Other names: c.-230C>G (NM_001271420.2); short protein forms Q77E.
Identifiers: ClinVar variation 379304 (VCV000379304.1), dbSNP rs774529541, ClinGen allele CA8407261.